The following is an entry in ClinVar:

ClinVar aggregate classification (germline): Uncertain significance (1 of 4 stars; one submission).

Allele frequency attached by ClinVar (database versions not stated): TOPMed below 0.00001; gnomAD 0.00001; gnomAD exomes 0.00004; ExAC 0.00006.
gnomAD v4.1: 58 of 1,537,118 alleles (0.0038%); highest among the groups gnomAD compares: Non-Finnish European, 0.0049%; no homozygotes.

Submission:

Ambry Genetics
Classification: Uncertain significance. Last evaluated: 2023-01-10. Review status: criteria provided, single submitter. Criteria: Ambry Variant Classification Scheme 2023. Collection method: clinical testing. Allele origin: germline.
Comment: The c.88T>C (p.Y30H) alteration is located in exon (coding exon ) of the USP40 gene. This alteration results from a T to C substitution at nucleotide position 88, causing the tyrosine (Y) at amino acid position 30 to be replaced by a histidine (H). Based on insufficient or conflicting evidence, the clinical significance of this alteration remains unclear.

NM_001365479.2(USP40):c.52T>C (p.Tyr18His)

Gene: USP40 (ubiquitin specific peptidase 40; minus strand). Cytogenetic location: 2q37.1.
Variant type: single nucleotide variant.
Coding change: c.52T>C on transcript NM_001365479.2 (MANE Select); coding-DNA position 52, T replaced by C.
Protein change: p.Tyr18His; replaces tyrosine 18 with histidine.
Molecular consequence: missense variant. On other transcripts: non-coding transcript variant (6).
Genome position (GRCh38, 1-based): chr2:233,565,503, A>G on the plus strand (T>C on the coding strand, the complement: USP40 is on the minus strand). VCF-style: chr2-233565503-A-G. GRCh37 (hg19) VCF-style: chr2-234474149-A-G.
Other names: c.52T>C, p.Tyr18His (NM_001382295.1, NM_001382296.1, NM_001382297.1 and 6 more transcripts); short protein forms Y18H.
Identifiers: ClinVar variation 2459545 (VCV002459545.2), dbSNP rs747996622, ClinGen allele CA2177398.